The following is an entry in ClinVar:

ClinVar aggregate classification (germline): Uncertain significance. Review status: criteria provided, multiple submitters, no conflicts (2 of 4 stars). 2 submissions from 2 submitters: Uncertain significance (2). Last evaluated 2024-11-15.

Conditions:
Dyskeratosis congenita, autosomal dominant 2. Identifiers: MedGen C3151443, MONDO:0013521, OMIM 613989.
Idiopathic Pulmonary Fibrosis. Also called: Idiopathic fibrosing alveolitis, chronic form; idiopathic fibrosing alveolitis. Identifiers: Orphanet 2032, MedGen C1800706, MeSH D054990, MONDO:0800504.
Dyskeratosis congenita. Identifiers: Orphanet 1775, MedGen C0265965, MONDO:0015780.

gnomAD v4.1: 2 of 1,594,672 alleles (0.00013%); highest among the groups gnomAD compares: Non-Finnish European, 0.00017%; no homozygotes.

Submissions (2):

Ambry Genetics
Classification: Uncertain significance for Dyskeratosis congenita. Last evaluated: 2024-11-15. Review status: criteria provided, single submitter. Criteria: Ambry Variant Classification Scheme 2023. Collection method: clinical testing. Allele origin: germline.
Comment: The p.A288G variant (also known as c.863C>G), located in coding exon 2 of the TERT gene, results from a C to G substitution at nucleotide position 863. The alanine at codon 288 is replaced by glycine, an amino acid with similar properties. This amino acid position is conserved. In addition, this alteration is predicted to be tolerated by in silico analysis. Based on the available evidence, the clinical significance of this variant remains unclear.

Labcorp Genetics (formerly Invitae), Labcorp
Classification: Uncertain significance for Dyskeratosis congenita, autosomal dominant 2; Idiopathic Pulmonary Fibrosis. Last evaluated: 2021-04-03. Review status: criteria provided, single submitter. Criteria: Invitae Variant Classification Sherloc (09022015). Collection method: clinical testing. Allele origin: germline.
Comment: In summary, the available evidence is currently insufficient to determine the role of this variant in disease. Therefore, it has been classified as a Variant of Uncertain Significance. Advanced modeling of protein sequence and biophysical properties (such as structural, functional, and spatial information, amino acid conservation, physicochemical variation, residue mobility, and thermodynamic stability) performed at Invitae indicates that this missense variant is not expected to disrupt TERT protein function. This variant has not been reported in the literature in individuals with TERT-related conditions. This variant is not present in population databases (ExAC no frequency). This sequence change replaces alanine with glycine at codon 288 of the TERT protein (p.Ala288Gly). The alanine residue is weakly conserved and there is a small physicochemical difference between alanine and glycine.

NM_198253.3(TERT):c.863C>G (p.Ala288Gly)

Gene: TERT (telomerase reverse transcriptase; minus strand). Cytogenetic location: 5p15.33.
Variant type: single nucleotide variant.
Coding change: c.863C>G on transcript NM_198253.3 (MANE Select); coding-DNA position 863, C replaced by G.
Protein change: p.Ala288Gly; replaces alanine 288 with glycine.
Molecular consequence: missense variant. On other transcripts: non-coding transcript variant (2).
Genome position (GRCh38, 1-based): chr5:1,294,023, G>C on the plus strand (C>G on the coding strand, the complement: TERT is on the minus strand). VCF-style: chr5-1294023-G-C. GRCh37 (hg19) VCF-style: chr5-1294138-G-C.
Other names: c.863C>G, p.Ala288Gly (NM_001193376.3); c.863C>G (NM_198253.2); short protein forms A288G.
Identifiers: ClinVar variation 1346594 (VCV001346594.9), dbSNP rs774657340, ClinGen allele CA359056423.